The following is an entry in ClinVar:

NM_000038.6(APC):c.227A>T (p.Asn76Ile)

Gene: APC (APC regulator of Wnt signaling pathway; plus strand). Cytogenetic location: 5q22.2.
Variant type: single nucleotide variant.
Coding change: c.227A>T on transcript NM_000038.6 (MANE Select); coding-DNA position 227, A replaced by T.
Protein change: p.Asn76Ile; replaces asparagine 76 with isoleucine.
Molecular consequence: missense variant. On other transcripts: 5 prime UTR variant (1).
Genome position (GRCh38, 1-based): chr5:112,767,195, A>T. VCF-style: chr5-112767195-A-T. GRCh37 (hg19) VCF-style: chr5-112102892-A-T.
Other names: c.227A>T (NM_000038.5); c.227A>T, p.Asn76Ile (NM_001127510.3, NM_001354895.2, NM_001354896.2 and 16 more transcripts); c.257A>T, p.Asn86Ile (NM_001127511.3, NM_001354897.2, NM_001354902.2 and 1 more transcripts); c.152A>T, p.Asn51Ile (NM_001354898.2, NM_001354904.2, NM_001407451.1); c.50A>T, p.Asn17Ile (NM_001354900.2, NM_001354901.2, NM_001354905.2 and 1 more transcripts); c.-809A>T (NM_001354906.2, NM_001407470.1, NM_001407471.1 and 1 more transcripts); short protein forms N17I, N51I, N76I, N86I.
Identifiers: ClinVar variation 2017012 (VCV002017012.5), dbSNP rs2149787530, ClinGen allele CA16021838.
Genomic context (GRCh38, chr5:112,767,195, plus strand): 5'-TTTTAGACTGCTTAAAGCAATTGTTGTATAAAAACTTGTTTCTATTTTATTTAGAGCTTA[A>T]CTTAGATAGCAGTAATTTCCCTGGAGTAAAACTGCGGTCAAAAATGTCCCTCCGTTCTTA-3'
Protein context (NP_000029.2, residues 66-86): IDLLERLKEL[Asn76Ile]LDSSNFPGVK

ClinVar aggregate classification (germline): Uncertain significance. Review status: criteria provided, multiple submitters, no conflicts (2 of 4 stars). 2 submissions from 2 submitters: Uncertain significance (2). Last evaluated 2025-05-23.

Conditions:
Hereditary cancer-predisposing syndrome. Also called: Hereditary Cancer Syndrome; Neoplastic Syndromes, Hereditary; Hereditary neoplastic syndrome; Tumor predisposition. Identifiers: Orphanet 140162, MedGen C0027672, MeSH D009386, MONDO:0015356.
Familial adenomatous polyposis 1 (FAP1). Also called: FAMILIAL ADENOMATOUS POLYPOSIS 1, ATTENUATED; POLYPOSIS, ADENOMATOUS INTESTINAL. Identifiers: MedGen C2713442, MONDO:0021056, OMIM 175100. Disease mechanism: loss of function.

Submissions (2):

Ambry Genetics
Classification: Uncertain significance for Hereditary cancer-predisposing syndrome. Last evaluated: 2025-05-23. Review status: criteria provided, single submitter. Criteria: Ambry Variant Classification Scheme 2023. Collection method: clinical testing. Allele origin: germline.
Comment: The p.N76I variant (also known as c.227A>T), located in coding exon 3 of the APC gene, results from an A to T substitution at nucleotide position 227. The asparagine at codon 76 is replaced by isoleucine, an amino acid with dissimilar properties. This amino acid position is conserved. In addition, in silico predictors for this gene do not accurately predict pathogenicity. Based on the available evidence, the clinical significance of this variant remains unclear.

Labcorp Genetics (formerly Invitae), Labcorp
Classification: Uncertain significance for Familial adenomatous polyposis 1. Last evaluated: 2025-01-23. Review status: criteria provided, single submitter. Criteria: Invitae Variant Classification Sherloc (09022015). Collection method: clinical testing. Allele origin: germline.
Comment: This sequence change replaces asparagine, which is neutral and polar, with isoleucine, which is neutral and non-polar, at codon 76 of the APC protein (p.Asn76Ile). This variant is not present in population databases (gnomAD no frequency). This variant has not been reported in the literature in individuals affected with APC-related conditions. ClinVar contains an entry for this variant (Variation ID: 2017012). Invitae Evidence Modeling of protein sequence and biophysical properties (such as structural, functional, and spatial information, amino acid conservation, physicochemical variation, residue mobility, and thermodynamic stability) indicates that this missense variant is not expected to disrupt APC protein function with a negative predictive value of 95%. In summary, the available evidence is currently insufficient to determine the role of this variant in disease. Therefore, it has been classified as a Variant of Uncertain Significance.